The following is an entry in ClinVar:

NC_012920.1(MT-TA):m.5650G>A

Gene: MT-TA (mitochondrially encoded tRNA alanine; minus strand).
Variant type: single nucleotide variant.
Genome position: chrM-5650-G-A.
Other names: 5650G-A.
Identifiers: ClinVar variation 9624 (VCV000009624.5), dbSNP rs121434457, ClinGen allele CA120587.
Genomic context (GRCh38, chrMT:5,650, plus strand): 5'-GGACTGCAAAACCCCACTCTGCATCAACTGAACGCAAATCAGCCACTTTAATTAAGCTAA[G>A]CCCTTACTAGACCAATGGGACTTAAACCCACAAACACTTAGTTAACAGCTAAGCACCCTA-3'

ClinVar aggregate classification (germline): Likely pathogenic. Review status: reviewed by expert panel (3 of 4 stars). 5 submissions from 5 submitters: Likely pathogenic (1). 4 of the submissions do not count toward it. Last evaluated 2022-10-24.

Conditions:
Primary Mitochondrial Disorders. Identifiers: MedGen CN381104.
Mitochondrial disease. Also called: Mitochondrial disorder; Mitochondrial disorders. Identifiers: Orphanet 68380, MedGen C0751651, MeSH D028361, MONDO:0044970.
Myotonic dystrophy-like myopathy. Identifiers: MedGen C4016604.

Submissions (5):

ClinGen Mitochondrial Disease Nuclear and Mitochondrial  Variant Curation Expert Panel, ClinGen
Classification: Likely pathogenic for Mitochondrial disease. Last evaluated: 2022-10-24. Review status: reviewed by expert panel. Criteria: McCormick et al. (Hum Mutat. 2020). Collection method: curation. Allele origin: germline. Inheritance: Mitochondrial inheritance.
Comment: The m.5650G>A variant in MT-TA has been reported in three unrelated individuals with primary mitochondrial disease. The predominant feature in these individuals was myopathy (muscle weakness, exercise intolerance), and other features were seen in one individual each (lipomas, ptosis, migraines, sensorineural hearing loss, impaired glucose tolerance). Age of onset varied from teens to young adulthood and all individuals were alive at the time of report. Brain imaging was variable in the three individuals and muscle biopsies showed ragged red fibers, COX-negative fibers, and respiratory chain enzyme deficiencies. Lab values were significant for variably elevated lactate and CK. There was a range of variant heteroplasmy levels in tissues from each individual although the heteroplasmy level was consistently highest in muscle (PS4_supporting, PMIDs: 14569122, 17825557, 11715067). Of note, one individual also had a NOTCH3 pathogenic variant (PMID: 11715067), however this expert panel elected to include this case given NOTCH3 pathogenic variants are associated with CADASIL (cerebral arteriopathy with subcortical infarcts and leukoencephalopathy), and this individual had additional features that were consistent with a primary mitochondrial disease. This variant segregated with disease in two families: one family with an unaffected sister having the variant present at lower heteroplasmy levels than the proband (PMID: 14569122) and one family with an affected mother with similarly high levels of the variant to the proband and a less severely affected maternal grandmother with lower heteroplasmy levels (PMID: 17825557; PP1_supporting). There are no reports of de novo occurrences to our knowledge. The computational predictor MitoTIP suggests this variant is pathogenic (77th percentile) and HmtVAR predicts it to be pathogenic score of 0.9 (PP3). This variant is absent in the Helix dataset and gnomAD v3.1.2, and the single occurrence in the GenBank dataset is from an affected individual (PM2_supporting). Single fiber testing was performed in two of the three reported individuals. In one individual, the variant was essentially present at homoplasmy in ragged red fibers (n=11) and at 62% in normal fibers (n=11, p<0.01; PMID: 14569122). In the other individual, the variant was present at 99.0 ± 0.29% (n = 9) in COX-deficient fibers compared to 87.6 ± 2.26% (n = 15) in COX-positive fibers (p<0.0008, PMID: 17825557). Additionally, there is a mouse model of this variant with features consistent with primary mitochondrial disease (PMID: 27626666) that shows improvement when heteroplasmy is shifted (PMIDs: 30250142, 34050192). The combination of strong single fiber testing and mouse model led this expert panel to increase the weight of this criterion to moderate (PS3_moderate). In summary, this variant meets criteria to be classified as likely pathogenic for primary mitochondrial disease inherited in a mitochondrial manner. This classification was approved by the NICHD/NINDS U24 ClinGen Mitochondrial Disease Variant Curation Expert Panel on October 24, 2022. Mitochondrial DNA-specific ACMG/AMP criteria applied (PMID: 32906214): PS4_supporting, PP1_supporting, PM2_supporting, PP3, PS3_moderate.

Broad Center for Mendelian Genomics, Broad Institute of MIT and Harvard
Classification: Likely pathogenic for Mitochondrial disease. Last evaluated: 2026-08-26. Review status: criteria provided, single submitter. Criteria: ACMG Guidelines, 2015. Collection method: research. Allele origin: germline. Inheritance: Mitochondrial inheritance. Study: GREGoR Consortium. Not counted in ClinVar's aggregate classification.
Comment: The m.5650G>A variant has been reported in 3 individuals with mitochondrial disease (PMID: 17825557, 14569122, 11715067), and was absent from large population studies. This variant has (also) been reported in ClinVar (Variation ID: 9624) and has been interpreted as likely pathogenic by the ClinGen Mitochondrial Disease Nuclear and Mitochondrial Variant Curation Expert Panel. The number of reported affected individuals with this variant is greater than expected compared to non-affected individuals with this variant. In vitro functional studies provide some evidence that the m.5650G>A variant may impact protein function (PMID: 30250142, 27626666, 17825557, 14569122). However, these types of assays may not accurately represent biological function. Computational prediction tools and conservation analyses suggest that this variant may impact the protein, though this information is not predictive enough to determine pathogenicity. In summary, although additional studies are required to fully establish its clinical significance, this variant is likely pathogenic for mitochondrial disease. ACMG/AMP Criteria applied: PS3_moderate, PP1, PM2_supporting, PS4_supporting (Richards 2015).

Variantyx, Inc.
Classification: Likely pathogenic for Primary mitochondrial disorders. Last evaluated: 2025-06-04. Review status: criteria provided, single submitter. Criteria: Variantyx Assertion Criteria 2022. Collection method: clinical testing. Allele origin: germline. Not counted in ClinVar's aggregate classification.
Comment: The m.5650G>A change is a variant in the MT-TA gene which encodes the mitochondrial transfer RNA for alanine. Pathogenic variants in this gene have been associated with primary mitochondrial disorders. This variant has been reported in at least 3 unrelated affected individual(s) (PMID: 14569122, 17825557, 11715067) (PS4). Functional studies demonstrate a deleterious effect for this variant (PMID: 14569122, 17825557) (PS3) and computational algorithms support a deleterious effect on the gene or gene product (Aggregate Predicted Severity Score: 1) (PP3). This variant is absent from control populations (PM2). Other reputable laboratories have reported this variant as pathogenic or likely pathogenic, and this classification has been validated by an expert panel in ClinVar (PP5). Based on the current evidence, this variant is classified as likely pathogenic for primary mitochondrial disorders.

Mendelics
Classification: Pathogenic for Mitochondrial disease. Last evaluated: 2022-05-04. Review status: criteria provided, single submitter. Criteria: Mendelics Assertion Criteria 2019. Collection method: clinical testing. Allele origin: germline. Not counted in ClinVar's aggregate classification.

OMIM
Classification: Pathogenic for MYOTONIC DYSTROPHY-LIKE MYOPATHY. Last evaluated: 2003-10-01. Review status: no assertion criteria provided. Collection method: literature only. Allele origin: germline. Not counted in ClinVar's aggregate classification.

Literature cited by the submitters: PubMed 14569122 (cited by OMIM).